The following is an entry in ClinVar:

ClinVar aggregate classification (germline): Uncertain significance (1 of 4 stars; one submission).

Allele frequency attached by ClinVar (database versions not stated): gnomAD exomes below 0.00001.
gnomAD v4.1: 1 of 1,613,706 alleles (0.000062%); highest among the groups gnomAD compares: Non-Finnish European, 0.000085%; no homozygotes.

Submission:

Labcorp Genetics (formerly Invitae), Labcorp
Classification: Uncertain significance. Last evaluated: 2022-09-25. Review status: criteria provided, single submitter. Criteria: Invitae Variant Classification Sherloc (09022015). Collection method: clinical testing. Allele origin: germline.
Comment: This variant is not present in population databases (gnomAD no frequency). This variant has not been reported in the literature in individuals affected with SEPT9-related conditions. Advanced modeling of protein sequence and biophysical properties (such as structural, functional, and spatial information, amino acid conservation, physicochemical variation, residue mobility, and thermodynamic stability) performed at Invitae indicates that this missense variant is expected to disrupt SEPT9 protein function. In summary, the available evidence is currently insufficient to determine the role of this variant in disease. Therefore, it has been classified as a Variant of Uncertain Significance. This sequence change replaces phenylalanine, which is neutral and non-polar, with serine, which is neutral and polar, at codon 348 of the SEPT9 protein (p.Phe348Ser).

NM_001113491.2(SEPTIN9):c.1097T>C (p.Phe366Ser)

Gene: SEPTIN9 (septin 9; plus strand). Cytogenetic location: 17q25.3.
Variant type: single nucleotide variant.
Coding change: c.1097T>C on transcript NM_001113491.2 (MANE Select); coding-DNA position 1097, T replaced by C.
Protein change: p.Phe366Ser; replaces phenylalanine 366 with serine.
Molecular consequence: missense variant.
Genome position (GRCh38, 1-based): chr17:77,488,294, T>C. VCF-style: chr17-77488294-T-C. GRCh37 (hg19) VCF-style: chr17-75484376-T-C.
Other names: c.344T>C, p.Phe115Ser (NM_001113496.2, NM_001293697.2, NM_001293698.2 and 1 more transcripts); c.1040T>C, p.Phe347Ser (NM_001293695.2); c.425T>C, p.Phe142Ser (NM_001293696.2); c.1043T>C, p.Phe348Ser (NM_006640.5); c.605T>C, p.Phe202Ser (NM_001113492.2, NM_001113494.1); c.1076T>C, p.Phe359Ser (NM_001113493.2); short protein forms F115S, F142S, F202S, F347S, F348S, F359S, F366S.
Identifiers: ClinVar variation 2445587 (VCV002445587.4), dbSNP rs2510110862, ClinGen allele CA401208987.